The following is an entry in ClinVar:

NM_017654.4(SAMD9):c.158A>T (p.His53Leu)

Gene: SAMD9 (sterile alpha motif domain containing 9; minus strand). Cytogenetic location: 7q21.2.
Variant type: single nucleotide variant.
Coding change: c.158A>T on transcript NM_017654.4 (MANE Select); coding-DNA position 158, A replaced by T.
Protein change: p.His53Leu; replaces histidine 53 with leucine.
Molecular consequence: missense variant.
Genome position (GRCh38, 1-based): chr7:93,105,940, T>A on the plus strand (A>T on the coding strand, the complement: SAMD9 is on the minus strand). VCF-style: chr7-93105940-T-A. GRCh37 (hg19) VCF-style: chr7-92735253-T-A.
Other names: c.158A>T, p.His53Leu (NM_001193307.2); c.158A>T (NM_017654.3); short protein forms H53L.
Identifiers: ClinVar variation 2106723 (VCV002106723.6), dbSNP rs1212423698, ClinGen allele CA368205864.

ClinVar aggregate classification (germline): Uncertain significance. Review status: criteria provided, multiple submitters, no conflicts (2 of 4 stars). 4 submissions from 4 submitters: Uncertain significance (4). Last evaluated 2025-05-19.

Conditions:
SAMD9-related disorder. Also called: SAMD9-related condition.
Inborn genetic diseases. Identifiers: MedGen C0950123, MeSH D030342.

Allele frequency attached by ClinVar (database versions not stated): gnomAD exomes below 0.00001; gnomAD 0.00002; TOPMed 0.00002.
gnomAD v4.1: 5 of 1,612,020 alleles (0.00031%); highest among the groups gnomAD compares: African/African-American, 0.0054%; no homozygotes.

Submissions (4):

Ambry Genetics
Classification: Uncertain significance for Inborn genetic diseases. Last evaluated: 2025-05-19. Review status: criteria provided, single submitter. Criteria: Ambry Variant Classification Scheme 2023. Collection method: clinical testing. Allele origin: germline.
Comment: The p.H53L variant (also known as c.158A>T), located in coding exon 1 of the SAMD9 gene, results from an A to T substitution at nucleotide position 158. The histidine at codon 53 is replaced by leucine, an amino acid with similar properties. This amino acid position is conserved. In addition, this alteration is predicted to be tolerated by in silico analysis. Based on the available evidence, the clinical significance of this variant remains unclear.

Labcorp Genetics (formerly Invitae), Labcorp
Classification: Uncertain significance. Last evaluated: 2024-08-09. Review status: criteria provided, single submitter. Criteria: Invitae Variant Classification Sherloc (09022015). Collection method: clinical testing. Allele origin: germline.
Comment: This sequence change replaces histidine, which is basic and polar, with leucine, which is neutral and non-polar, at codon 53 of the SAMD9 protein (p.His53Leu). This variant is not present in population databases (gnomAD no frequency). This variant has not been reported in the literature in individuals affected with SAMD9-related conditions. ClinVar contains an entry for this variant (Variation ID: 2106723). Advanced modeling of protein sequence and biophysical properties (such as structural, functional, and spatial information, amino acid conservation, physicochemical variation, residue mobility, and thermodynamic stability) performed at Invitae indicates that this missense variant is not expected to disrupt SAMD9 protein function with a negative predictive value of 95%. In summary, the available evidence is currently insufficient to determine the role of this variant in disease. Therefore, it has been classified as a Variant of Uncertain Significance.

PreventionGenetics, part of Exact Sciences
Classification: Uncertain significance for SAMD9-related condition. Last evaluated: 2023-04-12. Review status: criteria provided, single submitter. Criteria: ACMG Guidelines, 2015. Collection method: clinical testing. Allele origin: germline.
Comment: The SAMD9 c.158A>T variant is predicted to result in the amino acid substitution p.His53Leu. To our knowledge, this variant has not been reported in the literature or in a large population database, indicating this variant is rare. At this time, the clinical significance of this variant is uncertain due to the absence of conclusive functional and genetic evidence.

Blueprint Genetics
Classification: Uncertain significance. Last evaluated: 2018-08-06. Review status: criteria provided, single submitter. Criteria: ACMG Guidelines, 2015. Collection method: clinical testing. Allele origin: germline.